The following is an entry in ClinVar:

ClinVar aggregate classification (germline): Benign. Review status: criteria provided, multiple submitters, no conflicts (2 of 4 stars). 9 submissions from 9 submitters: Benign (7). 2 of the submissions do not count toward it. Last evaluated 2026-02-02.

Conditions:
Supravalvar aortic stenosis (SVAS). Also called: Supravalvar aortic stenosis, Eisenberg type. Identifiers: Orphanet 3193, MedGen C0003499, MONDO:0008504, OMIM 185500, HP:0004381.
Williams syndrome (WBS). Also called: WILLIAMS-BEUREN SYNDROME; CHROMOSOME 7q11.23 DELETION SYNDROME, 1.5- TO 1.8-MB. Identifiers: Orphanet 904, MedGen C0175702, MONDO:0008678, OMIM 194050. Disease mechanism: loss of function.
Cutis laxa, autosomal dominant 1 (ADCL1). Also called: ELN-Related Cutis Laxa. Identifiers: Orphanet 90348, MedGen C3276539, MONDO:0007411, OMIM 123700. Disease mechanism: Dominant Negative.

Allele frequency attached by ClinVar (database versions not stated): gnomAD exomes 0.00221 and 0.00544; ExAC 0.00650; gnomAD 0.02167 and 0.02303; ESP Exome Variant Server 0.02237; TOPMed 0.02379; 1000 Genomes Project 0.02556; 1000 Genomes Project 30x 0.02608.
gnomAD v4.1: 6,675 of 1,614,062 alleles (0.41%); highest among the groups gnomAD compares: African/African-American, 7.6%; 230 homozygotes.

Submissions (16):

Labcorp Genetics (formerly Invitae), Labcorp
Classification: Benign for Supravalvar aortic stenosis. Last evaluated: 2026-02-02. Review status: criteria provided, single submitter. Criteria: Invitae Variant Classification Sherloc (09022015). Collection method: clinical testing. Allele origin: germline.

Molecular Diagnostic Laboratory for Inherited Cardiovascular Disease, Montreal Heart Institute
Classification: Benign. Last evaluated: 2025-04-09. Review status: criteria provided, single submitter. Criteria: ACMG Guidelines, 2015. Collection method: clinical testing. Allele origin: germline. Affected: no.
Comment: BA1

Women's Health and Genetics/Laboratory Corporation of America, LabCorp
Classification: Benign. Last evaluated: 2024-02-25. Review status: criteria provided, single submitter. Criteria: LabCorp Variant Classification Summary - May 2015. Collection method: clinical testing. Allele origin: germline.

Fulgent Genetics
Classification: Benign for Cutis laxa, autosomal dominant 1; Supravalvar aortic stenosis; Williams syndrome. Last evaluated: 2022-04-05. Review status: criteria provided, single submitter. Criteria: ACMG Guidelines, 2015. Collection method: clinical testing. Allele origin: unknown.

Laboratory for Molecular Medicine, Mass General Brigham Personalized Medicine
Classification: Benign. Last evaluated: 2013-02-21. Review status: criteria provided, single submitter. Criteria: LMM Criteria. Collection method: clinical testing. Allele origin: germline. Observed: 1 variant allele.
Comment: 2086+5G>C in intron 31 of ELN: This variant is not expected to have clinical sig nificance because it has been identified in 6.6% (290/4406) of African American chromosomes from a broad population by the NHLBI Exome Sequencing Project (dbSNP rs111866046).

Breakthrough Genomics
Classification: Benign. Review status: criteria provided, single submitter. Criteria: ACMG Guidelines, 2015. Collection method: not provided. Allele origin: germline. Inheritance: Autosomal dominant inheritance. Affected: yes.

PreventionGenetics, part of Exact Sciences
Classification: Benign. Review status: criteria provided, single submitter. Criteria: ACMG Guidelines, 2015. Collection method: clinical testing. Allele origin: germline.

Dr. Peter K. Rogan Lab, Western University
No classification provided (evidence only). Condition: Clear cell carcinoma of kidney. Review status: no classification provided. Collection method: in vitro. Allele origin: not applicable. Functional consequence: skipped exon, retained intron. Not counted in ClinVar's aggregate classification.

Dr. Peter K. Rogan Lab, Western University
No classification provided (evidence only). Condition: Clear cell carcinoma of kidney. Review status: no classification provided. Collection method: in vitro. Allele origin: not applicable. Functional consequence: retained intron. Not counted in ClinVar's aggregate classification.

Dr. Peter K. Rogan Lab, Western University
No classification provided (evidence only). Condition: Lung cancer. Review status: no classification provided. Collection method: in vitro. Allele origin: not applicable. Functional consequence: skipped exon, retained intron. Not counted in ClinVar's aggregate classification.

Dr. Peter K. Rogan Lab, Western University
No classification provided (evidence only). Condition: Colon adenocarcinoma. Review status: no classification provided. Collection method: in vitro. Allele origin: not applicable. Functional consequence: skipped exon. Not counted in ClinVar's aggregate classification.

Dr. Peter K. Rogan Lab, Western University
No classification provided (evidence only). Condition: Colon adenocarcinoma. Review status: no classification provided. Collection method: in vitro. Allele origin: not applicable. Functional consequence: skipped exon. Not counted in ClinVar's aggregate classification.

Dr. Peter K. Rogan Lab, Western University
No classification provided (evidence only). Condition: Ovarian serous cystadenocarcinoma. Review status: no classification provided. Collection method: in vitro. Allele origin: not applicable. Functional consequence: skipped exon, retained intron. Not counted in ClinVar's aggregate classification.

Dr. Peter K. Rogan Lab, Western University
No classification provided (evidence only). Condition: Malignant tumor of esophagus. Review status: no classification provided. Collection method: in vitro. Allele origin: not applicable. Functional consequence: retained intron. Not counted in ClinVar's aggregate classification.

Genome Diagnostics Laboratory, Amsterdam University Medical Center
Classification: Benign. Review status: no assertion criteria provided. Collection method: clinical testing. Allele origin: germline. Affected: yes. Study: VKGL Data-share Consensus. Not counted in ClinVar's aggregate classification.

Laboratory of Diagnostic Genome Analysis, Leiden University Medical Center (LUMC)
Classification: Likely benign. Review status: no assertion criteria provided. Collection method: clinical testing. Allele origin: germline. Affected: yes. Study: VKGL Data-share Consensus. Not counted in ClinVar's aggregate classification.

NM_000501.4(ELN):c.2086+5G>C

Gene: ELN (elastin; plus strand). Cytogenetic location: 7q11.23.
Variant type: single nucleotide variant.
Coding change: c.2086+5G>C on transcript NM_000501.4 (MANE Select); 5 bases into the intron after coding-DNA position 2086, G replaced by C.
Molecular consequence: intron variant.
Genome position (GRCh38, 1-based): chr7:74,066,002, G>C. VCF-style: chr7-74066002-G-C. GRCh37 (hg19) VCF-style: chr7-73480332-G-C.
Other names: c.2047+270G>C (NM_001081754.3); c.1990+270G>C (NM_001081753.3); c.2272+5G>C (NM_001278939.2); c.2104+5G>C (NM_001278915.2); c.2032+270G>C (NM_001278912.2); c.2029+5G>C (NM_001081755.3); c.1888+270G>C (NM_001278916.2); c.1843+5G>C (NM_001278913.2); and 4 more.
Identifiers: ClinVar variation 213167 (VCV000213167.24), dbSNP rs111866046, ClinGen allele CA324045.